The following is an entry in ClinVar:

ClinVar aggregate classification (germline): Conflicting classifications of pathogenicity. Review status: criteria provided, conflicting classifications (1 of 4 stars). 3 submissions from 3 submitters: Uncertain significance (1); Likely benign (1). 1 of the submissions does not count toward it. Last evaluated 2026-06-23.

Conditions:
Connective tissue disorder. Also called: Connective tissue disease. Identifiers: MedGen C0009782, MONDO:0003900.
FGFR3-related chondrodysplasia. Identifiers: Orphanet 93420, MedGen C5681604, MONDO:0019685.
FGFR3-related disorder. Also called: FGFR3-related disorders.

Submissions (3):

Genomenon, Inc
Classification: Likely benign for FGFR3-related chondrodysplasia. Last evaluated: 2026-06-23. Review status: criteria provided, single submitter. Criteria: Genomenon Sequence Variant Interpretation Standards - Updated. Collection method: curation. Allele origin: germline. Affected: no.
Comment: FGFR3 p.Thr394= (c.1182G>T) is a synonymous variant that retains Threonine at codon 394. This variant has been reported in the published literature (PMID:35210354). It is absent or not present at a significant frequency in gnomAD. This variant is not predicted to impact splicing. In conclusion, we classify FGFR3 p.Thr394= (c.1182G>T) as a likely benign variant.

Genome Diagnostics Laboratory, The Hospital for Sick Children
Classification: Uncertain significance for Connective tissue disorder. Last evaluated: 2020-04-01. Review status: criteria provided, single submitter. Criteria: ACMG Guidelines, 2015. Collection method: clinical testing. Allele origin: germline.

PreventionGenetics, part of Exact Sciences
Classification: Likely benign for FGFR3-related condition. Last evaluated: 2019-11-07. Review status: no assertion criteria provided. Collection method: clinical testing. Allele origin: germline. Not counted in ClinVar's aggregate classification.
Comment: This variant is classified as likely benign based on ACMG/AMP sequence variant interpretation guidelines (Richards et al. 2015 PMID: 25741868, with internal and published modifications).

Literature cited by the submitters: PubMed 35210354 (cited by Genomenon, Inc).

NM_000142.5(FGFR3):c.1182G>T (p.Thr394=)

Gene: FGFR3 (fibroblast growth factor receptor 3; plus strand). Cytogenetic location: 4p16.3.
Variant type: single nucleotide variant.
Coding change: c.1182G>T on transcript NM_000142.5 (MANE Select); coding-DNA position 1182, G replaced by T.
Protein change: p.Thr394=; no amino-acid change (threonine 394 retained).
Molecular consequence: synonymous variant. On other transcripts: non-coding transcript variant (1), intron variant (1).
Genome position (GRCh38, 1-based): chr4:1,804,436, G>T. VCF-style: chr4-1804436-G-T. GRCh37 (hg19) VCF-style: chr4-1806163-G-T.
Other names: c.1188G>T, p.Thr396= (NM_001163213.2); c.1182G>T, p.Thr394= (NM_001354809.2, NM_001354810.2); c.931-388G>T (NM_022965.4).
Identifiers: ClinVar variation 1702413 (VCV001702413.6), dbSNP rs771495510, ClinGen allele CA2810280.
Genomic context (GRCh38, chr4:1,804,436, plus strand): 5'-AGGCATCCTCAGCTACGGGGTGGGCTTCTTCCTGTTCATCCTGGTGGTGGCGGCTGTGAC[G>T]CTCTGCCGCCTGCGCAGCCCCCCCAAGAAAGGCCTGGGCTCCCCCACCGTGCACAAGATC-3'
Protein context (NP_000133.1, residues 384-404): FLFILVVAAV[Thr394=]LCRLRSPPKK